The following is an entry in ClinVar:

NM_006393.3(NEBL):c.2191G>A (p.Val731Ile)

Gene: NEBL (nebulette; minus strand). Cytogenetic location: 10p12.31.
Variant type: single nucleotide variant.
Coding change: c.2191G>A on transcript NM_006393.3 (MANE Select); coding-DNA position 2191, G replaced by A.
Protein change: p.Val731Ile; replaces valine 731 with isoleucine.
Molecular consequence: missense variant. On other transcripts: intron variant (9).
Genome position (GRCh38, 1-based): chr10:20,815,675, C>T on the plus strand (G>A on the coding strand, the complement: NEBL is on the minus strand). VCF-style: chr10-20815675-C-T. GRCh37 (hg19) VCF-style: chr10-21104604-C-T.
Other names: c.250-2735G>A (NM_001377326.1, NM_001377327.1, NM_001377328.1); c.358-2735G>A (NM_213569.2, NM_001173484.2, NM_001377322.1); c.301-2735G>A (NM_001377324.1); c.292-2735G>A (NM_001377325.1); c.310-2735G>A (NM_001377323.1); short protein forms V731I.
Identifiers: ClinVar variation 2150942 (VCV002150942.4), dbSNP rs1226209252, ClinGen allele CA376093925.

ClinVar aggregate classification (germline): Uncertain significance (1 of 4 stars; one submission).

Conditions:
Primary dilated cardiomyopathy (DCM). Also called: Dilated Cardiomyopathy. Identifiers: Orphanet 217604, MedGen C0007193, MeSH D002311, MONDO:0005021, HP:0001644. Inheritance: Various modes of inheritance.

Allele frequency attached by ClinVar (database versions not stated): TOPMed below 0.00001; gnomAD exomes 0.00001.
gnomAD v4.1: 7 of 1,613,016 alleles (0.00043%); highest among the groups gnomAD compares: Admixed American, 0.005%; no homozygotes.

Submission:

Labcorp Genetics (formerly Invitae), Labcorp
Classification: Uncertain significance for Primary dilated cardiomyopathy. Last evaluated: 2022-09-06. Review status: criteria provided, single submitter. Criteria: Invitae Variant Classification Sherloc (09022015). Collection method: clinical testing. Allele origin: germline.
Comment: This sequence change replaces valine, which is neutral and non-polar, with isoleucine, which is neutral and non-polar, at codon 731 of the NEBL protein (p.Val731Ile). This variant is present in population databases (no rsID available, gnomAD 0.006%). In summary, the available evidence is currently insufficient to determine the role of this variant in disease. Therefore, it has been classified as a Variant of Uncertain Significance. Algorithms developed to predict the effect of missense changes on protein structure and function output the following: SIFT: "Tolerated"; PolyPhen-2: "Benign"; Align-GVGD: "Class C0". The isoleucine amino acid residue is found in multiple mammalian species, which suggests that this missense change does not adversely affect protein function. This variant has not been reported in the literature in individuals affected with NEBL-related conditions.